The following is an entry in ClinVar:

ClinVar aggregate classification (germline): Likely pathogenic (1 of 4 stars; one submission).

Submission:

Genetic Services Laboratory, University of Chicago
Classification: Likely pathogenic. Last evaluated: 2023-07-13. Review status: criteria provided, single submitter. Criteria: ACMG Guidelines, 2015. Collection method: clinical testing. Allele origin: germline. Affected: yes.
Comment: DNA sequence analysis of the ADA2 gene demonstrated a single base pair duplication in exon 4, c.679dup. This sequence change results in an amino acid frameshift and creates a premature stop codon 27 amino acids downstream of the change, p.Tyr227Leufs*28. While this duplication has not previously been described in the literature, other loss of function variants including duplications in the ADA2 gene have been described in several individuals with ADA2-related deficiency (PMID: 24552284, 24552285). The c.679dup sequence change has not been described in population databases such as ExAC and gnomAD. This sequence change is likely pathogenic, however functional studies have not been performed to prove this conclusively.

NM_001282225.2(ADA2):c.679dup (p.Tyr227fs)

Gene: ADA2 (adenosine deaminase 2; minus strand). Cytogenetic location: 22q11.1.
Variant type: Duplication.
Coding change: c.679dup on transcript NM_001282225.2 (MANE Select); coding-DNA position 679, one base duplicated (T; older notation c.679dupT).
Protein change: p.Tyr227fs; shifts the reading frame from tyrosine 227.
Molecular consequence: frameshift variant.
Genome position (GRCh38, 1-based): chr22:17,203,637, A duplicated on the plus strand (T on the coding strand, the reverse complement: ADA2 is on the minus strand). VCF-style (leftmost placement, unchanged base first): chr22-17203636-T-TA. GRCh37 (hg19) VCF-style: chr22-17684526-T-TA.
Other names: c.679dup, p.Tyr227fs (NM_001282226.2); c.553dup, p.Tyr185fs (NM_001282227.2, NM_001282228.2); c.319dup, p.Tyr107fs (NM_001282229.2); short protein forms Y107fs, Y185fs, Y227fs.
Identifiers: ClinVar variation 4082408 (VCV004082408.2).
Genomic context (GRCh38, chr22:17,203,636, plus strand): 5'-GCTCTGATCTCCATGTAGAGCACGTTGTCCTCGTAGAACTCCTGCATGCTCCGGAAGACA[T>TA]AGTCTCTGAACACTGGTGCGTAATGGATGAGACCAGAGATGGTGAAGAAGATGGTTTCAA-3'